The following is an entry in ClinVar:

ClinVar aggregate classification (germline): Uncertain significance (1 of 4 stars; one submission).

Allele frequency attached by ClinVar (database versions not stated): gnomAD 0.00001; TOPMed 0.00001; ExAC 0.00002.

Submission:

Labcorp Genetics (formerly Invitae), Labcorp
Classification: Uncertain significance. Last evaluated: 2022-11-01. Review status: criteria provided, single submitter. Criteria: Invitae Variant Classification Sherloc (09022015). Collection method: clinical testing. Allele origin: germline.
Comment: In summary, the available evidence is currently insufficient to determine the role of this variant in disease. Therefore, it has been classified as a Variant of Uncertain Significance. Algorithms developed to predict the effect of missense changes on protein structure and function are either unavailable or do not agree on the potential impact of this missense change (SIFT: "Not Available"; PolyPhen-2: "Benign"; Align-GVGD: "Not Available"). This variant has not been reported in the literature in individuals affected with TIMM50-related conditions. This variant is present in population databases (rs778353895, gnomAD 0.01%). This sequence change replaces glycine, which is neutral and non-polar, with arginine, which is basic and polar, at codon 65 of the TIMM50 protein (p.Gly65Arg).

NC_000019.10:g.39480737G>C

Gene: TIMM50 (translocase of inner mitochondrial membrane 50; plus strand). Cytogenetic location: 19q13.2.
Variant type: single nucleotide variant.
Genome position: GRCh38 VCF-style: chr19-39480737-G-C. GRCh37 (hg19) VCF-style: chr19-39971377-G-C.
Identifiers: ClinVar variation 2074579 (VCV002074579.2), dbSNP rs778353895, ClinGen allele CA9431578.
Genomic context (GRCh38, chr19:39,480,737, plus strand): 5'-GGGTCAGCCAGGAGACTAGTCAGAAGCAAACGCGCCTGCGGCAATCCGCCCGATGCCTTT[G>C]GTCTCTCTCGGGCTTCCGTCCACCCGCCCCTCCCCCGCGTTTCCATTGGCTGTAGCTCCG-3'